The following is an entry in ClinVar:

ClinVar aggregate classification (germline): Likely benign (1 of 4 stars; one submission).

Submission:

CeGaT Center for Human Genetics Tuebingen
Classification: Likely benign. Last evaluated: 2026-05-01. Review status: criteria provided, single submitter. Criteria: CeGaT Center For Human Genetics Tuebingen Variant Classification Criteria Version 2. Collection method: clinical testing. Allele origin: germline. Affected: yes. Observed: 1 variant allele.
Comment: PEX13: PM2:Supporting, BP4, BP7

NM_002618.4(PEX13):c.24C>T (p.Pro8=)

Genes: PEX13 (peroxisomal biogenesis factor 13; plus strand), PUS10 (pseudouridine synthase 10; minus strand). Cytogenetic location: 2p15.
Variant type: single nucleotide variant.
Coding change: c.24C>T on transcript NM_002618.4 (MANE Select); coding-DNA position 24, C replaced by T.
Protein change: p.Pro8=; no amino-acid change (proline 8 retained).
Molecular consequence: synonymous variant. On other transcripts: intron variant (2).
Genome position (GRCh38, 1-based): chr2:61,017,783, C>T. VCF-style: chr2-61017783-C-T. GRCh37 (hg19) VCF-style: chr2-61244918-C-T.
Other names: c.-16+225G>A (NM_144709.4); c.-623+225G>A (NM_001322127.1).
Identifiers: ClinVar variation 4873168 (VCV004873168.2).
Genomic context (GRCh38, chr2:61,017,783, plus strand): 5'-CAGGGGTAGGAGCGGGAGCCGAGAGGAGGCGGAGGAGATGGCGTCCCAGCCGCCACCTCC[C>T]CCCAAACCCTGGGAGACCCGCCGAATTCCGGGAGCCGGACCGGGACCAGGACCGGGCCCC-3'
Protein context (NP_002609.1, residues 1-18): MASQPPP[Pro8=]PKPWETRRIP